The following is an entry in ClinVar:

NM_014915.3(ANKRD26):c.1544A>G (p.Asp515Gly)

Gene: ANKRD26 (ankyrin repeat domain 26; minus strand). Cytogenetic location: 10p12.1.
Variant type: single nucleotide variant.
Coding change: c.1544A>G on transcript NM_014915.3 (MANE Select); coding-DNA position 1544, A replaced by G.
Protein change: p.Asp515Gly; replaces aspartic acid 515 with glycine.
Molecular consequence: missense variant.
Genome position (GRCh38, 1-based): chr10:27,060,365, T>C on the plus strand (A>G on the coding strand, the complement: ANKRD26 is on the minus strand). VCF-style: chr10-27060365-T-C. GRCh37 (hg19) VCF-style: chr10-27349294-T-C.
Other names: c.1544A>G, p.Asp515Gly (NM_001256053.2); short protein forms D515G.
Identifiers: ClinVar variation 2720082 (VCV002720082.6), dbSNP rs2055010627, ClinGen allele CA376357101.

ClinVar aggregate classification (germline): Uncertain significance. Review status: criteria provided, multiple submitters, no conflicts (2 of 4 stars). 3 submissions from 3 submitters: Uncertain significance (3). Last evaluated 2025-02-05.

Conditions:
Inborn genetic diseases. Identifiers: MedGen C0950123, MeSH D030342.

Allele frequency attached by ClinVar (database versions not stated): TOPMed below 0.00001; gnomAD 0.00001.
gnomAD v4.1: 1 of 1,612,144 alleles (0.000062%); highest among the groups gnomAD compares: Admixed American, 0.0017%; no homozygotes.

Submissions (3):

Ambry Genetics
Classification: Uncertain significance for Inborn genetic diseases. Last evaluated: 2025-02-05. Review status: criteria provided, single submitter. Criteria: Ambry Variant Classification Scheme 2023. Collection method: clinical testing. Allele origin: germline.
Comment: The p.D515G variant (also known as c.1544A>G), located in coding exon 15 of the ANKRD26 gene, results from an A to G substitution at nucleotide position 1544. The aspartic acid at codon 515 is replaced by glycine, an amino acid with similar properties. This amino acid position is conserved. In addition, this alteration is predicted to be tolerated by in silico analysis. Based on the available evidence, the clinical significance of this variant remains unclear.

GeneDx
Classification: Uncertain significance. Last evaluated: 2023-10-19. Review status: criteria provided, single submitter. Criteria: GeneDx Variant Classification Process June 2021. Collection method: clinical testing. Allele origin: germline. Affected: yes.
Comment: Not observed at significant frequency in large population cohorts (gnomAD); In silico analysis supports that this missense variant has a deleterious effect on protein structure/function; Has not been previously published as pathogenic or benign to our knowledge

Labcorp Genetics (formerly Invitae), Labcorp
Classification: Uncertain significance. Last evaluated: 2023-06-14. Review status: criteria provided, single submitter. Criteria: Invitae Variant Classification Sherloc (09022015). Collection method: clinical testing. Allele origin: germline.
Comment: This variant has not been reported in the literature in individuals affected with ANKRD26-related conditions. This variant is not present in population databases (gnomAD no frequency). This sequence change replaces aspartic acid, which is acidic and polar, with glycine, which is neutral and non-polar, at codon 515 of the ANKRD26 protein (p.Asp515Gly). Algorithms developed to predict the effect of missense changes on protein structure and function output the following: SIFT: "Not Available"; PolyPhen-2: "Benign"; Align-GVGD: "Not Available". The glycine amino acid residue is found in multiple mammalian species, which suggests that this missense change does not adversely affect protein function. In summary, the available evidence is currently insufficient to determine the role of this variant in disease. Therefore, it has been classified as a Variant of Uncertain Significance.